The following is an entry in ClinVar:

NM_000478.6(ALPL):c.878G>T (p.Gly293Val)

Gene: ALPL (alkaline phosphatase, biomineralization associated; plus strand). Cytogenetic location: 1p36.12.
Variant type: single nucleotide variant.
Coding change: c.878G>T on transcript NM_000478.6 (MANE Select); coding-DNA position 878, G replaced by T.
Protein change: p.Gly293Val; replaces glycine 293 with valine.
Molecular consequence: missense variant.
Genome position (GRCh38, 1-based): chr1:21,573,680, G>T. VCF-style: chr1-21573680-G-T. GRCh37 (hg19) VCF-style: chr1-21900173-G-T.
Other names: c.713G>T, p.Gly238Val (NM_001127501.4); c.647G>T, p.Gly216Val (NM_001177520.3); c.878G>T, p.Gly293Val (NM_001369803.2, NM_001369804.2, NM_001369805.2); short protein forms G216V, G238V, G293V.
Identifiers: ClinVar variation 3355996 (VCV003355996.3).
Genomic context (GRCh38, chr1:21,573,680, plus strand): 5'-GGTCACAGCCTCTCAGCATCCACATCCTCCTGGCGTCCTCCTCAGGTCTCTTCGAGCCAG[G>T]GGACATGCAGTACGAGCTGAACAGGAACAACGTGACGGACCCGTCACTCTCCGAGATGGT-3'
Protein context (NP_000469.3, residues 283-303): VDYLLGLFEP[Gly293Val]DMQYELNRNN

ClinVar aggregate classification (germline): Uncertain significance. Review status: criteria provided, multiple submitters, no conflicts (2 of 4 stars). 3 submissions from 3 submitters: Uncertain significance (2). 1 of the submissions does not count toward it. Last evaluated 2026-09-01.

Conditions:
Hypophosphatasia. Also called: Phosphoethanol-aminuria. Identifiers: Orphanet 436, MedGen C0020630, MeSH D007014, MONDO:0018570.
ALPL-related disorder. Also called: ALPL-related condition; ALPL-related disorders.

Submissions (3):

Genomenon, Inc
Classification: Uncertain significance for Hypophosphatasia. Last evaluated: 2026-09-01. Review status: criteria provided, single submitter. Criteria: Genomenon Sequence Variant Interpretation Standards - Updated. Collection method: curation. Allele origin: germline. Affected: no.
Comment: ALPL p.Gly293Val (c.878G>T) is a missense variant that changes the amino acid at codon 293 from Glycine to Valine. This variant has been reported in the published literature (PMID:39983296). It is absent or not present at a significant frequency in gnomAD. In conclusion, we classify ALPL p.Gly293Val (c.878G>T) as a variant of uncertain significance.

Labcorp Genetics (formerly Invitae), Labcorp
Classification: Uncertain significance. Last evaluated: 2025-11-24. Review status: criteria provided, single submitter. Criteria: Invitae Variant Classification Sherloc (09022015). Collection method: clinical testing. Allele origin: germline.
Comment: This sequence change replaces glycine, which is neutral and non-polar, with valine, which is neutral and non-polar, at codon 293 of the ALPL protein (p.Gly293Val). This variant is not present in population databases (gnomAD no frequency). This missense change has been observed in individual(s) with clinical suspicion of hypophosphatasia (PMID: 39983296). ClinVar contains an entry for this variant (Variation ID: 3355996). Invitae Evidence Modeling of protein sequence and biophysical properties (such as structural, functional, and spatial information, amino acid conservation, physicochemical variation, residue mobility, and thermodynamic stability) indicates that this missense variant is expected to disrupt ALPL protein function with a positive predictive value of 95%. In summary, the available evidence is currently insufficient to determine the role of this variant in disease. Therefore, it has been classified as a Variant of Uncertain Significance.

PreventionGenetics, part of Exact Sciences
Classification: Uncertain significance for ALPL-related condition. Last evaluated: 2024-06-26. Review status: no assertion criteria provided. Collection method: clinical testing. Allele origin: germline. Not counted in ClinVar's aggregate classification.
Comment: The ALPL c.878G>T variant is predicted to result in the amino acid substitution p.Gly293Val. To our knowledge, this variant has not been reported in the literature or in a large population database, indicating this variant is rare. At this time, the clinical significance of this variant is uncertain due to the absence of conclusive functional and genetic evidence.

Literature cited by the submitters: PubMed 39983296 (cited by Genomenon, Inc and Labcorp Genetics (formerly Invitae), Labcorp).